The following is an entry in ClinVar:

ClinVar aggregate classification (germline): Uncertain significance (1 of 4 stars; one submission).

Conditions:
Nemaline myopathy 2 (NEM2). Also called: Nemaline myopathy 2, autosomal recessive. Identifiers: MedGen C1850569, MONDO:0009725, OMIM 256030.

gnomAD v4.1: 1 of 1,594,998 alleles (0.000063%); highest among the groups gnomAD compares: Non-Finnish European, 0.000086%; no homozygotes.

Submission:

Labcorp Genetics (formerly Invitae), Labcorp
Classification: Uncertain significance for Nemaline myopathy 2. Last evaluated: 2022-07-19. Review status: criteria provided, single submitter. Criteria: Invitae Variant Classification Sherloc (09022015). Collection method: clinical testing. Allele origin: germline.
Comment: This sequence change replaces methionine, which is neutral and non-polar, with valine, which is neutral and non-polar, at codon 6680 of the NEB protein (p.Met6680Val). This variant is not present in population databases (gnomAD no frequency). This variant has not been reported in the literature in individuals affected with NEB-related conditions. ClinVar contains an entry for this variant (Variation ID: 841451). Algorithms developed to predict the effect of missense changes on protein structure and function are either unavailable or do not agree on the potential impact of this missense change (SIFT: "Deleterious"; PolyPhen-2: "Not Available"; Align-GVGD: "Class C0"). Algorithms developed to predict the effect of sequence changes on RNA splicing suggest that this variant may create or strengthen a splice site. In summary, the available evidence is currently insufficient to determine the role of this variant in disease. Therefore, it has been classified as a Variant of Uncertain Significance.

NM_001164508.2(NEB):c.20038A>G (p.Met6680Val)

Gene: NEB (nebulin; minus strand). Cytogenetic location: 2q23.3.
Variant type: single nucleotide variant.
Coding change: c.20038A>G on transcript NM_001164508.2 (MANE Select); coding-DNA position 20038, A replaced by G.
Protein change: p.Met6680Val; replaces methionine 6680 with valine.
Molecular consequence: missense variant.
Genome position (GRCh38, 1-based): chr2:151,549,647, T>C on the plus strand (A>G on the coding strand, the complement: NEB is on the minus strand). VCF-style: chr2-151549647-T-C. GRCh37 (hg19) VCF-style: chr2-152406161-T-C.
Other names: c.20038A>G, p.Met6680Val (NM_001164507.2, NM_001271208.2); c.14935A>G, p.Met4979Val (NM_004543.5); short protein forms M4979V, M6680V.
Identifiers: ClinVar variation 841451 (VCV000841451.7), dbSNP rs1265237421, ClinGen allele CA348786526.
Genomic context (GRCh38, chr2:151,549,647, plus strand): 5'-CCTGCCACCCCACCTTCAGACCCATCTCAATGAGGAGGAGACCACTCACATAACTGCTCA[T>C]GTAACGGGTGTCCTTGATGTGTTTGAAGTGAGGAGTGTCACCTGGAAGTCTATATCCAGT-3'
Protein context (NP_001157980.2, residues 6670-6690): HFKHIKDTRY[Met6680Val]SSYFKYKEAY